The following is an entry in ClinVar:

NC_000002.11:g.(?_44001278)_(45236249_?)del

Genes: ABCG5 (ATP binding cassette subfamily G member 5; minus strand), ABCG8 (ATP binding cassette subfamily G member 8; plus strand), CAMKMT (calmodulin-lysine N-methyltransferase; plus strand), DYNC2LI1 (dynein cytoplasmic 2 light intermediate chain 1; plus strand), LRPPRC (leucine rich pentatricopeptide repeat containing; minus strand) and 5 more. Cytogenetic location: 2p21.
Variant type: Deletion.
Identifiers: ClinVar variation 3247230 (VCV003247230.1).

ClinVar aggregate classification (germline): Pathogenic (1 of 4 stars; one submission).

Conditions:
Holoprosencephaly 2 (HPE2). Identifiers: Orphanet 2162, MedGen C1834877, MONDO:0007999, OMIM 157170.

Submission:

Labcorp Genetics (formerly Invitae), Labcorp
Classification: Pathogenic for Holoprosencephaly 2. Last evaluated: 2023-03-10. Review status: criteria provided, single submitter. Criteria: Invitae Variant Classification Sherloc (09022015). Collection method: clinical testing. Allele origin: unknown.
Comment: For these reasons, this variant has been classified as Pathogenic. A similar copy number variant has been observed in individual(s) with holoprosencephaly (PMID: 19431187, 20531442). A gross deletion of the genomic region encompassing the full coding sequence of the SIX3 gene has been identified. Loss-of-function variants in SIX3 are known to be pathogenic (PMID: 18791198). The boundaries of this event are unknown as they extend beyond the assayed region for this gene and therefore may encompass additional genes.

Literature cited by the submitters: PubMed 19431187; PubMed 20531442; PubMed 18791198.